The following is an entry in ClinVar:

ClinVar aggregate classification (germline): Likely pathogenic (1 of 4 stars; one submission).

Conditions:
Microphthalmia. Also called: Microphthalmos. Identifiers: MedGen C0026010, MONDO:0021129, HP:0000568.

Submission:

Natera, Inc.
Classification: Likely pathogenic for Microphthalmia. Last evaluated: 2025-08-28. Review status: criteria provided, single submitter. Criteria: Natera Variant Classification Schema (03/2026). Collection method: clinical testing. Allele origin: germline.
Comment: The c.760+1del variant in VSX2 is a canonical splice donor site variant predicted to affect pre-mRNA splicing, which may result in an abnormal transcript and altered protein product. This variant is expected to result in nonsense mediated decay, truncation, or a dysfunctional protein product. This variant is rare in the general population with a frequency below the threshold expected for the associated phenotype(s). Given the available evidence, this variant is classified as Likely Pathogenic.

NM_182894.3(VSX2):c.760+1del

Gene: VSX2 (visual system homeobox 2; plus strand). Cytogenetic location: 14q24.3.
Variant type: Deletion.
Coding change: c.760+1del on transcript NM_182894.3 (MANE Select); the canonical splice donor site of the intron after coding-DNA position 760, one base deleted (G; older notation c.760+1delG).
Molecular consequence: splice donor variant.
Genome position (GRCh38, 1-based): chr14:74,259,783, G deleted; the last of 3 consecutive G bases (chr14:74,259,781-74,259,783); deleting any one gives the same sequence. VCF-style (leftmost placement, unchanged base first): chr14-74259780-TG-T. GRCh37 (hg19) VCF-style: chr14-74726483-TG-T.
Identifiers: ClinVar variation 4817012 (VCV004817012.1).